The following is an entry in ClinVar:

ClinVar aggregate classification (germline): Uncertain significance (1 of 4 stars; one submission).

Conditions:
Brachyolmia-amelogenesis imperfecta syndrome. Also called: PLATYSPONDYLY WITH AMELOGENESIS IMPERFECTA; Tooth agenesis, selective, 6; Dental anomalies and short stature. Identifiers: Orphanet 2899, MedGen C1832594, MONDO:0011018, OMIM 601216. Disease mechanism: loss of function.

gnomAD v4.1: 4 of 1,570,746 alleles (0.00025%); highest among the groups gnomAD compares: African/African-American, 0.0014%; no homozygotes.

Submission:

Labcorp Genetics (formerly Invitae), Labcorp
Classification: Uncertain significance for Brachyolmia-amelogenesis imperfecta syndrome. Last evaluated: 2025-12-08. Review status: criteria provided, single submitter. Criteria: Invitae Variant Classification Sherloc (09022015). Collection method: clinical testing. Allele origin: germline.
Comment: This sequence change replaces serine, which is neutral and polar, with proline, which is neutral and non-polar, at codon 266 of the LTBP3 protein (p.Ser266Pro). The frequency data for this variant in the population databases is considered unreliable, as metrics indicate poor data quality at this position in the gnomAD database. This variant has not been reported in the literature in individuals affected with LTBP3-related conditions. An algorithm developed to predict the effect of missense changes on protein structure and function outputs the following: PolyPhen-2: "Benign". The proline amino acid residue is found in multiple mammalian species, which suggests that this missense change does not adversely affect protein function. In summary, the available evidence is currently insufficient to determine the role of this variant in disease. Therefore, it has been classified as a Variant of Uncertain Significance.

NM_001130144.3(LTBP3):c.796T>C (p.Ser266Pro)

Gene: LTBP3 (latent transforming growth factor beta binding protein 3; minus strand). Cytogenetic location: 11q13.1.
Variant type: single nucleotide variant.
Coding change: c.796T>C on transcript NM_001130144.3 (MANE Select); coding-DNA position 796, T replaced by C.
Protein change: p.Ser266Pro; replaces serine 266 with proline.
Molecular consequence: missense variant.
Genome position (GRCh38, 1-based): chr11:65,553,769, A>G on the plus strand (T>C on the coding strand, the complement: LTBP3 is on the minus strand). VCF-style: chr11-65553769-A-G. GRCh37 (hg19) VCF-style: chr11-65321240-A-G.
Other names: c.445T>C, p.Ser149Pro (NM_001164266.1); c.796T>C, p.Ser266Pro (NM_021070.4); short protein forms S149P, S266P.
Identifiers: ClinVar variation 4798915 (VCV004798915.1).